The following is an entry in ClinVar:

ClinVar aggregate classification (germline): Uncertain significance. Review status: criteria provided, multiple submitters, no conflicts (2 of 4 stars). 3 submissions from 3 submitters: Uncertain significance (2). 1 of the submissions does not count toward it. Last evaluated 2025-12-03.

Conditions:
Inborn genetic diseases. Identifiers: MedGen C0950123, MeSH D030342.
TH-deficient dopa-responsive dystonia. Also called: DYT-TH; Tyrosine Hydroxylase-Deficient Dopa-Responsive Dystonia; Segawa syndrome, autosomal recessive. Identifiers: Orphanet 101150, MedGen C2673535, MONDO:0011551, OMIM 605407.

Allele frequency attached by ClinVar (database versions not stated): ExAC 0.00004; gnomAD exomes 0.00006; ESP Exome Variant Server 0.00008; 1000 Genomes Project 30x 0.00016; TOPMed 0.00016; 1000 Genomes Project 0.00020.
gnomAD v4.1: 47 of 1,564,098 alleles (0.003%); highest among the groups gnomAD compares: African/African-American, 0.046%; no homozygotes.

Submissions (3):

Ambry Genetics
Classification: Uncertain significance for Inborn genetic diseases. Last evaluated: 2025-12-03. Review status: criteria provided, single submitter. Criteria: Ambry Variant Classification Scheme 2023. Collection method: clinical testing. Allele origin: germline.

Labcorp Genetics (formerly Invitae), Labcorp
Classification: Uncertain significance for TH-deficient dopa-responsive dystonia. Last evaluated: 2022-09-01. Review status: criteria provided, single submitter. Criteria: Invitae Variant Classification Sherloc (09022015). Collection method: clinical testing. Allele origin: germline.
Comment: This sequence change replaces threonine, which is neutral and polar, with asparagine, which is neutral and polar, at codon 256 of the TH protein (p.Thr256Asn). This variant is present in population databases (rs141907589, gnomAD 0.06%). This variant has not been reported in the literature in individuals affected with TH-related conditions. ClinVar contains an entry for this variant (Variation ID: 970138). Algorithms developed to predict the effect of missense changes on protein structure and function are either unavailable or do not agree on the potential impact of this missense change (SIFT: "Deleterious"; PolyPhen-2: "Possibly Damaging"; Align-GVGD: "Class C0"). In summary, the available evidence is currently insufficient to determine the role of this variant in disease. Therefore, it has been classified as a Variant of Uncertain Significance.

Natera, Inc.
Classification: Uncertain significance for Autosomal recessive Segawa syndrome. Last evaluated: 2020-03-16. Review status: no assertion criteria provided. Collection method: clinical testing. Allele origin: germline. Not counted in ClinVar's aggregate classification.

NM_000360.4(TH):c.674C>A (p.Thr225Asn)

Gene: TH (tyrosine hydroxylase; minus strand). Cytogenetic location: 11p15.5.
Variant type: single nucleotide variant.
Coding change: c.674C>A on transcript NM_000360.4 (MANE Select); coding-DNA position 674, C replaced by A.
Protein change: p.Thr225Asn; replaces threonine 225 with asparagine.
Molecular consequence: missense variant.
Genome position (GRCh38, 1-based): chr11:2,167,456, G>T on the plus strand (C>A on the coding strand, the complement: TH is on the minus strand). VCF-style: chr11-2167456-G-T. GRCh37 (hg19) VCF-style: chr11-2188686-G-T.
Other names: c.767C>A, p.Thr256Asn (NM_199292.3); c.755C>A, p.Thr252Asn (NM_199293.3); short protein forms T225N, T252N, T256N.
Identifiers: ClinVar variation 970138 (VCV000970138.6), dbSNP rs141907589, ClinGen allele CA5818542.